The following is an entry in ClinVar:

ClinVar aggregate classification (germline): Likely benign. Review status: criteria provided, multiple submitters, no conflicts (2 of 4 stars). 3 submissions from 3 submitters: Likely benign (2). 1 of the submissions does not count toward it. Last evaluated 2025-11-22.

Conditions:
SMARCE1-related disorder. Also called: SMARCE1-related condition.
Hereditary cancer-predisposing syndrome. Also called: Neoplastic Syndromes, Hereditary; Hereditary neoplastic syndrome; Tumor predisposition; Hereditary Cancer Syndrome. Identifiers: Orphanet 140162, MedGen C0027672, MeSH D009386, MONDO:0015356.
Familial meningioma. Also called: Meningioma, familial, susceptibility to. Identifiers: Orphanet 263662, MedGen C3551915, MONDO:0011789, OMIM 607174.

Allele frequency attached by ClinVar (database versions not stated): ExAC 0.00002; gnomAD exomes 0.00004; TOPMed 0.00005; gnomAD 0.00006 and 0.00007; ESP Exome Variant Server 0.00015.
gnomAD v4.1: 60 of 1,609,562 alleles (0.0037%); highest among the groups gnomAD compares: South Asian, 0.018%; no homozygotes.

Submissions (3):

Labcorp Genetics (formerly Invitae), Labcorp
Classification: Likely benign for Familial meningioma. Last evaluated: 2025-11-22. Review status: criteria provided, single submitter. Criteria: Invitae Variant Classification Sherloc (09022015). Collection method: clinical testing. Allele origin: germline.

Ambry Genetics
Classification: Likely benign for Hereditary cancer-predisposing syndrome. Last evaluated: 2018-04-13. Review status: criteria provided, single submitter. Criteria: Ambry Variant Classification Scheme 2023. Collection method: clinical testing. Allele origin: germline.

PreventionGenetics, part of Exact Sciences
Classification: Likely benign for SMARCE1-related condition. Last evaluated: 2019-04-04. Review status: no assertion criteria provided. Collection method: clinical testing. Allele origin: germline. Not counted in ClinVar's aggregate classification.
Comment: This variant is classified as likely benign based on ACMG/AMP sequence variant interpretation guidelines (Richards et al. 2015 PMID: 25741868, with internal and published modifications).

NM_003079.5(SMARCE1):c.135G>A (p.Pro45=)

Gene: SMARCE1 (SWI/SNF related BAF chromatin remodeling complex subunit E1; minus strand). Cytogenetic location: 17q21.2.
Variant type: single nucleotide variant.
Coding change: c.135G>A on transcript NM_003079.5 (MANE Select); coding-DNA position 135, G replaced by A.
Protein change: p.Pro45=; no amino-acid change (proline 45 retained).
Molecular consequence: synonymous variant.
Genome position (GRCh38, 1-based): chr17:40,642,476, C>T on the plus strand (G>A on the coding strand, the complement: SMARCE1 is on the minus strand). VCF-style: chr17-40642476-C-T. GRCh37 (hg19) VCF-style: chr17-38798728-C-T.
Identifiers: ClinVar variation 239490 (VCV000239490.18), dbSNP rs148373393, ClinGen allele CA8545320.